The following is an entry in ClinVar:

ClinVar aggregate classification (germline): Benign/Likely benign. Review status: criteria provided, multiple submitters, no conflicts (2 of 4 stars). 6 submissions from 6 submitters: Benign (3); Likely benign (3). Last evaluated 2026-01-05.

Conditions:
Congenital cataract-microcephaly-nevus flammeus simplex-severe intellectual disability syndrome. Also called: Basel-Vanagaite-Smirin-Yosef syndrome. Identifiers: Orphanet 464738, MedGen C4225323, MONDO:0014643, OMIM 616449.
Charcot-Marie-Tooth disease. Also called: Charcot-Marie-Tooth Hereditary Neuropathy; Charcot-Marie-Tooth Neuropathy. Identifiers: Orphanet 166, MedGen C0007959, MONDO:0015626.
Charcot-Marie-Tooth disease type 2. Also called: Charcot-Marie-Tooth type 2. Identifiers: Orphanet 64746, MedGen C0270914, MONDO:0018993.

Allele frequency attached by ClinVar (database versions not stated): gnomAD exomes 0.00106; ExAC 0.00140; gnomAD 0.00386 and 0.00394; TOPMed 0.00419; 1000 Genomes Project 0.00539; 1000 Genomes Project 30x 0.00547; ESP Exome Variant Server 0.00654.
gnomAD v4.1: 1,182 of 1,614,140 alleles (0.073%); highest among the groups gnomAD compares: African/African-American, 1.4%; 5 homozygotes.

Submissions (6):

Labcorp Genetics (formerly Invitae), Labcorp
Classification: Benign for Charcot-Marie-Tooth disease type 2. Last evaluated: 2026-01-05. Review status: criteria provided, single submitter. Criteria: Invitae Variant Classification Sherloc (09022015). Collection method: clinical testing. Allele origin: germline.

Blueprint Genetics
Classification: Likely benign. Last evaluated: 2024-07-06. Review status: criteria provided, single submitter. Criteria: ACMG Guidelines, 2015. Collection method: clinical testing. Allele origin: germline.

ARUP Laboratories, Molecular Genetics and Genomics, ARUP Laboratories
Classification: Benign for Congenital cataract-microcephaly-nevus flammeus simplex-severe intellectual disability syndrome. Last evaluated: 2023-11-29. Review status: criteria provided, single submitter. Criteria: ARUP Molecular Germline Variant Investigation Process 2024. Collection method: clinical testing. Allele origin: germline.

CeGaT Center for Human Genetics Tuebingen
Classification: Benign. Last evaluated: 2022-11-01. Review status: criteria provided, single submitter. Criteria: CeGaT Center For Human Genetics Tuebingen Variant Classification Criteria Version 2. Collection method: clinical testing. Allele origin: germline. Affected: yes. Observed: 1 variant allele.
Comment: MED25: BP4, BP7, BS1, BS2

Breakthrough Genomics
Classification: Likely benign. Review status: criteria provided, single submitter. Criteria: ACMG Guidelines, 2015. Collection method: not provided. Allele origin: germline. Inheritance: Autosomal recessive inheritance. Affected: yes.

Molecular Genetics Laboratory, London Health Sciences Centre
Classification: Likely benign for Charcot-Marie-Tooth disease. Review status: criteria provided, single submitter. Criteria: ACMG Guidelines, 2015. Collection method: clinical testing. Allele origin: germline. Affected: yes.

NM_030973.4(MED25):c.93C>T (p.Tyr31=)

Gene: MED25 (mediator complex subunit 25; plus strand). Cytogenetic location: 19q13.33.
Variant type: single nucleotide variant.
Coding change: c.93C>T on transcript NM_030973.4 (MANE Select); coding-DNA position 93, C replaced by T.
Protein change: p.Tyr31=; no amino-acid change (tyrosine 31 retained).
Molecular consequence: synonymous variant.
Genome position (GRCh38, 1-based): chr19:49,818,434, C>T. VCF-style: chr19-49818434-C-T. GRCh37 (hg19) VCF-style: chr19-50321691-C-T.
Other names: c.93C>T, p.Tyr31= (NM_001378355.1).
Identifiers: ClinVar variation 415890 (VCV000415890.51), dbSNP rs61742955, ClinGen allele CA9584687.
Genomic context (GRCh38, chr19:49,818,434, plus strand): 5'-CGGGAGCGTGGTGGCCGACGTGGTGTTTGTGATTGAGGGTACGGCCAACCTGGGACCCTA[C>T]TTCGAGGGGCTCCGCAAGCACTACCTGCTCCCGGCCATCGAGTGAGTGCTGTTTCCGCGA-3'
Protein context (NP_112235.2, residues 21-41): VIEGTANLGP[Tyr31=]FEGLRKHYLL